The following is an entry in ClinVar:

NM_003072.5(SMARCA4):c.2610C>T (p.Leu870=)

Gene: SMARCA4 (SWI/SNF related BAF chromatin remodeling complex subunit ATPase 4; plus strand). Cytogenetic location: 19p13.2.
Variant type: single nucleotide variant.
Coding change: c.2610C>T on transcript NM_003072.5 (MANE Select); coding-DNA position 2610, C replaced by T.
Protein change: p.Leu870=; no amino-acid change (leucine 870 retained).
Molecular consequence: synonymous variant. On other transcripts: non-coding transcript variant (1).
Genome position (GRCh38, 1-based): chr19:11,019,695, C>T. VCF-style: chr19-11019695-C-T. GRCh37 (hg19) VCF-style: chr19-11130371-C-T.
Other names: c.2610C>T, p.Leu870= (NM_001128844.3, NM_001128845.2, NM_001128846.2 and 5 more transcripts).
Identifiers: ClinVar variation 480631 (VCV000480631.36), dbSNP rs1339020579, ClinGen allele CA505490275.
Genomic context (GRCh38, chr19:11,019,695, plus strand): 5'-TGGGAAGTTCAACGTCTTGCTGACGACGTACGAGTACATCATCAAAGACAAGCACATCCT[C>T]GCCAAGGTAACGTGTCCCTGTGGGAAATGCCAGGCCATGGGCCGAGTGCTCACACGTGGG-3'
Protein context (NP_003063.2, residues 860-880): YEYIIKDKHI[Leu870=]AKIRWKYMIV

ClinVar aggregate classification (germline): Benign/Likely benign. Review status: criteria provided, multiple submitters, no conflicts (2 of 4 stars). 4 submissions from 4 submitters: Benign (1); Likely benign (3). Last evaluated 2026-07-13.

Conditions:
Hereditary cancer-predisposing syndrome. Also called: Tumor predisposition; Neoplastic Syndromes, Hereditary; Hereditary Cancer Syndrome; Hereditary neoplastic syndrome. Identifiers: Orphanet 140162, MedGen C0027672, MeSH D009386, MONDO:0015356.
Rhabdoid tumor predisposition syndrome 2 (RTPS2). Identifiers: Orphanet 231108, Orphanet 69077, MedGen C2750074, MONDO:0013224, OMIM 613325.

Allele frequency attached by ClinVar (database versions not stated): gnomAD exomes 0.00001; TOPMed below 0.00001.
gnomAD v4.1: 9 of 1,610,462 alleles (0.00056%); highest among the groups gnomAD compares: Middle Eastern, 0.017%; no homozygotes.

Submissions (4):

Myriad Genetics, Inc.
Classification: Benign for Rhabdoid tumor predisposition syndrome 2. Last evaluated: 2026-07-13. Review status: criteria provided, single submitter. Criteria: Myriad Autosomal Dominant, Autosomal Recessive and X-Linked Classification Criteria (2023). Collection method: clinical testing. Allele origin: unknown.
Comment: This variant is considered benign. This variant is a silent/synonymous amino acid change and it is not expected to impact splicing.

Labcorp Genetics (formerly Invitae), Labcorp
Classification: Likely benign for Rhabdoid tumor predisposition syndrome 2. Last evaluated: 2025-09-03. Review status: criteria provided, single submitter. Criteria: Invitae Variant Classification Sherloc (09022015). Collection method: clinical testing. Allele origin: germline.

CeGaT Center for Human Genetics Tuebingen
Classification: Likely benign. Last evaluated: 2024-02-01. Review status: criteria provided, single submitter. Criteria: CeGaT Center For Human Genetics Tuebingen Variant Classification Criteria Version 2. Collection method: clinical testing. Allele origin: germline. Affected: yes. Observed: 1 variant allele.
Comment: SMARCA4: BP4, BP7

Ambry Genetics
Classification: Likely benign for Hereditary cancer-predisposing syndrome. Last evaluated: 2016-06-09. Review status: criteria provided, single submitter. Criteria: Ambry Variant Classification Scheme 2023. Collection method: clinical testing. Allele origin: germline.